The following is an entry in ClinVar:

ClinVar aggregate classification (germline): Pathogenic (1 of 4 stars; one submission).

Conditions:
Osteogenesis imperfecta type I (OI1). Also called: Classic Non-deforming Osteogenesis Imperfecta with Blue Sclerae; Lobstein's Disease; Osteogenesis imperfecta type 1; OI, TYPE I; OSTEOGENESIS IMPERFECTA TARDA; OSTEOGENESIS IMPERFECTA WITH BLUE SCLERAE. Identifiers: Orphanet 216796, Orphanet 666, MedGen C0023931, MONDO:0008146, OMIM 166200. Disease mechanism: loss of function.

Submission:

Labcorp Genetics (formerly Invitae), Labcorp
Classification: Pathogenic for Osteogenesis imperfecta type I. Last evaluated: 2018-02-12. Review status: criteria provided, single submitter. Criteria: Invitae Variant Classification Sherloc (09022015). Collection method: clinical testing. Allele origin: germline.
Comment: This sequence change creates a premature translational stop signal (p.Gly398Trpfs*32) in the COL1A1 gene. It is expected to result in an absent or disrupted protein product. This variant is not present in population databases (ExAC no frequency). This variant has not been reported in the literature in individuals with COL1A1-related disease. Loss-of-function variants in COL1A1 are known to be pathogenic (PMID: 7942841, 9295084, 9443882). For these reasons, this variant has been classified as Pathogenic.

Literature cited by the submitters: PubMed 7942841; PubMed 9295084; PubMed 9443882.

NM_000088.4(COL1A1):c.1192_1199del (p.Gly398fs)

Gene: COL1A1 (collagen type I alpha 1 chain; minus strand). Cytogenetic location: 17q21.33.
Variant type: Deletion.
Coding change: c.1192_1199del on transcript NM_000088.4 (MANE Select); coding-DNA positions 1192 to 1199, 8 bases deleted (GGTGCCAA; older notation c.1192_1199delGGTGCCAA).
Protein change: p.Gly398fs; shifts the reading frame from glycine 398.
Molecular consequence: frameshift variant.
Genome position (GRCh38, 1-based): chr17:50,195,435-50,195,442, TTGGCACC deleted on the plus strand (GGTGCCAA on the coding strand, the reverse complement: COL1A1 is on the minus strand); deleting any 8 consecutive bases within chr17:50,195,435-50,195,444 gives the same sequence; the c. name uses the placement nearest the transcript's 3' end. VCF-style (leftmost placement, unchanged base first): chr17-50195434-ATTGGCACC-A. GRCh37 (hg19) VCF-style: chr17-48272795-ATTGGCACC-A.
Other names: c.1192_1199delGGTGCCAA (NM_000088.3); short protein forms G398fs.
Identifiers: ClinVar variation 565473 (VCV000565473.7), dbSNP rs1567760736, ClinGen allele CA891843714.